The following is an entry in ClinVar:

ClinVar aggregate classification (germline): Uncertain significance. Review status: criteria provided, multiple submitters, no conflicts (2 of 4 stars). 4 submissions from 4 submitters: Uncertain significance (4). Last evaluated 2025-12-08.

Conditions:
Hereditary cancer-predisposing syndrome. Also called: Tumor predisposition; Neoplastic Syndromes, Hereditary; Hereditary neoplastic syndrome; Hereditary Cancer Syndrome. Identifiers: Orphanet 140162, MedGen C0027672, MeSH D009386, MONDO:0015356.
Neurofibromatosis, type 2 (SWNV). Also called: NF2-Related Schwannomatosis; BILATERAL ACOUSTIC NEUROFIBROMATOSIS; SCHWANNOMATOSIS, VESTIBULAR. Identifiers: Orphanet 637, MedGen C0027832, MONDO:0007039, OMIM 101000. Disease mechanism: loss of function.

Allele frequency attached by ClinVar (database versions not stated): gnomAD exomes below 0.00001 and 0.00001; TOPMed below 0.00001; ExAC 0.00001.

Submissions (4):

Labcorp Genetics (formerly Invitae), Labcorp
Classification: Uncertain significance for Neurofibromatosis, type 2. Last evaluated: 2025-12-08. Review status: criteria provided, single submitter. Criteria: Invitae Variant Classification Sherloc (09022015). Collection method: clinical testing. Allele origin: germline.
Comment: This sequence change replaces glutamic acid, which is acidic and polar, with valine, which is neutral and non-polar, at codon 166 of the NF2 protein (p.Glu166Val). This variant is present in population databases (rs779353677, gnomAD no frequency). This variant has not been reported in the literature in individuals affected with NF2-related conditions. ClinVar contains an entry for this variant (Variation ID: 567169). Invitae Evidence Modeling of protein sequence and biophysical properties (such as structural, functional, and spatial information, amino acid conservation, physicochemical variation, residue mobility, and thermodynamic stability) indicates that this missense variant is not expected to disrupt NF2 protein function with a negative predictive value of 80%. In summary, the available evidence is currently insufficient to determine the role of this variant in disease. Therefore, it has been classified as a Variant of Uncertain Significance.

Color Diagnostics, LLC DBA Color Health
Classification: Uncertain significance for Neurofibromatosis, type 2. Last evaluated: 2025-07-14. Review status: criteria provided, single submitter. Criteria: ACMG Guidelines, 2015. Collection method: clinical testing. Allele origin: germline.
Comment: This missense variant replaces glutamic acid with valine at codon 166 of the NF2 protein. Computational prediction is inconclusive regarding the impact of this variant on protein structure and function. To our knowledge, functional studies have not been reported for this variant. This variant has not been reported in individuals affected with NF2-related disorders in the literature. This variant has been identified in 1/251416 chromosomes in the general population by the Genome Aggregation Database (gnomAD). The available evidence is insufficient to determine the role of this variant in disease conclusively. Therefore, this variant is classified as a Variant of Uncertain Significance.

Ambry Genetics
Classification: Uncertain significance for Hereditary cancer-predisposing syndrome. Last evaluated: 2025-06-15. Review status: criteria provided, single submitter. Criteria: Ambry Variant Classification Scheme 2023. Collection method: clinical testing. Allele origin: germline.
Comment: The p.E166V variant (also known as c.497A>T), located in coding exon 5 of the NF2 gene, results from an A to T substitution at nucleotide position 497. The glutamic acid at codon 166 is replaced by valine, an amino acid with dissimilar properties. This amino acid position is well conserved in available vertebrate species. In addition, the in silico prediction for this alteration is inconclusive. Since supporting evidence is limited at this time, the clinical significance of this alteration remains unclear.

GeneDx
Classification: Uncertain significance. Last evaluated: 2023-05-03. Review status: criteria provided, single submitter. Criteria: GeneDx Variant Classification Process June 2021. Collection method: clinical testing. Allele origin: germline. Affected: yes.
Comment: In silico analysis supports that this missense variant has a deleterious effect on protein structure/function; Has not been previously published as pathogenic or benign to our knowledge; This variant is associated with the following publications: (PMID: 11756419, 16324214)

NM_000268.4(NF2):c.497A>T (p.Glu166Val)

Gene: NF2 (NF2, moesin-ezrin-radixin like (MERLIN) tumor suppressor; plus strand). Cytogenetic location: 22q12.2.
Variant type: single nucleotide variant.
Coding change: c.497A>T on transcript NM_000268.4 (MANE Select); coding-DNA position 497, A replaced by T.
Protein change: p.Glu166Val; replaces glutamic acid 166 with valine.
Molecular consequence: missense variant. On other transcripts: non-coding transcript variant (1), intron variant (1).
Genome position (GRCh38, 1-based): chr22:29,654,706, A>T. VCF-style: chr22-29654706-A-T. GRCh37 (hg19) VCF-style: chr22-30050695-A-T.
Other names: c.497A>T, p.Glu166Val (NM_016418.5, NM_181825.3, NM_181832.3); c.371A>T, p.Glu124Val (NM_181828.3); c.374A>T, p.Glu125Val (NM_181829.3); c.248A>T, p.Glu83Val (NM_181830.3, NM_181831.3); c.447+12421A>T (NM_181833.3); short protein forms E166V, E125V, E124V, E83V.
Identifiers: ClinVar variation 567169 (VCV000567169.17), dbSNP rs779353677, ClinGen allele CA033635.